The following is an entry in ClinVar:

ClinVar aggregate classification (germline): Uncertain significance (1 of 4 stars; one submission).

Allele frequency attached by ClinVar (database versions not stated): gnomAD 0.00001; TOPMed below 0.00001; ExAC 0.00003.
gnomAD v4.1: 10 of 1,614,042 alleles (0.00062%); highest among the groups gnomAD compares: East Asian, 0.0045%; no homozygotes.

Submission:

Labcorp Genetics (formerly Invitae), Labcorp
Classification: Uncertain significance. Last evaluated: 2022-10-18. Review status: criteria provided, single submitter. Criteria: Invitae Variant Classification Sherloc (09022015). Collection method: clinical testing. Allele origin: germline.
Comment: In summary, the available evidence is currently insufficient to determine the role of this variant in disease. Therefore, it has been classified as a Variant of Uncertain Significance. Algorithms developed to predict the effect of missense changes on protein structure and function (SIFT, PolyPhen-2, Align-GVGD) all suggest that this variant is likely to be tolerated. This variant has not been reported in the literature in individuals affected with COQ6-related conditions. This variant is present in population databases (rs758316108, gnomAD 0.004%). This sequence change replaces asparagine, which is neutral and polar, with serine, which is neutral and polar, at codon 399 of the COQ6 protein (p.Asn399Ser).

NM_182476.3(COQ6):c.1196A>G (p.Asn399Ser)

Genes: COQ6 (coenzyme Q6, monooxygenase; plus strand), ENTPD5 (ectonucleoside triphosphate diphosphohydrolase 5; minus strand). Cytogenetic location: 14q24.3.
Variant type: single nucleotide variant.
Coding change: c.1196A>G on transcript NM_182476.3 (MANE Select); coding-DNA position 1196, A replaced by G.
Protein change: p.Asn399Ser; replaces asparagine 399 with serine.
Molecular consequence: missense variant. On other transcripts: intron variant (6).
Genome position (GRCh38, 1-based): chr14:73,961,556, A>G. VCF-style: chr14-73961556-A-G. GRCh37 (hg19) VCF-style: chr14-74428259-A-G.
Other names: c.1196A>G, p.Asn399Ser (NM_001425255.1); c.1088A>G, p.Asn363Ser (NM_001425256.1); c.1031A>G, p.Asn344Ser (NM_001425257.1); c.1013A>G, p.Asn338Ser (NM_001425258.1); c.971A>G, p.Asn324Ser (NM_001425259.1, NM_001425260.1, NM_001425261.1); c.941A>G, p.Asn314Ser (NM_001425262.1); c.869A>G, p.Asn290Ser (NM_001425263.1); c.656A>G, p.Asn219Ser (NM_001425264.1, NM_001425265.1); and 5 more; short protein forms N374S, N399S.
Identifiers: ClinVar variation 1910106 (VCV001910106.4), dbSNP rs758316108, ClinGen allele CA7264466.
Genomic context (GRCh38, chr14:73,961,556, plus strand): 5'-TCAACATGGGCTTTGGGGATATCTCCAGCTTGGCCCATCACCTCAGTACGGCAGCCTTCA[A>G]TGGGAAGGACTTAGGTAAGGATTCAGATACTATGGGGAAGTATCCAGAGGTCATATAGTT-3'
Protein context (NP_872282.1, residues 389-409): LAHHLSTAAF[Asn399Ser]GKDLGSVSHL